The following is an entry in ClinVar:

NM_005984.5(SLC25A1):c.653T>C (p.Met218Thr)

Gene: SLC25A1 (solute carrier family 25 member 1; minus strand). Cytogenetic location: 22q11.21.
Variant type: single nucleotide variant.
Coding change: c.653T>C on transcript NM_005984.5 (MANE Select); coding-DNA position 653, T replaced by C.
Protein change: p.Met218Thr; replaces methionine 218 with threonine.
Molecular consequence: missense variant. On other transcripts: non-coding transcript variant (1).
Genome position (GRCh38, 1-based): chr22:19,176,672, A>G on the plus strand (T>C on the coding strand, the complement: SLC25A1 is on the minus strand). VCF-style: chr22-19176672-A-G. GRCh37 (hg19) VCF-style: chr22-19164185-A-G.
Other names: c.674T>C, p.Met225Thr (NM_001256534.2); c.344T>C, p.Met115Thr (NM_001287387.2); c.653T>C (NM_005984.2); short protein forms M218T, M225T, M115T.
Identifiers: ClinVar variation 1397595 (VCV001397595.8), dbSNP rs782165332, ClinGen allele CA10097343.

ClinVar aggregate classification (germline): Uncertain significance. Review status: criteria provided, multiple submitters, no conflicts (2 of 4 stars). 2 submissions from 2 submitters: Uncertain significance (2). Last evaluated 2025-02-22.

Conditions:
Inborn genetic diseases. Identifiers: MedGen C0950123, MeSH D030342.

Allele frequency attached by ClinVar (database versions not stated): ExAC 0.00002; gnomAD exomes 0.00002 and 0.00005; gnomAD 0.00015 and 0.00016; TOPMed 0.00019.
gnomAD v4.1: 48 of 1,613,808 alleles (0.003%); highest among the groups gnomAD compares: African/African-American, 0.051%; no homozygotes.

Submissions (2):

Ambry Genetics
Classification: Uncertain significance for Inborn genetic diseases. Last evaluated: 2025-02-22. Review status: criteria provided, single submitter. Criteria: Ambry Variant Classification Scheme 2023. Collection method: clinical testing. Allele origin: germline.

Labcorp Genetics (formerly Invitae), Labcorp
Classification: Uncertain significance. Last evaluated: 2022-09-08. Review status: criteria provided, single submitter. Criteria: Invitae Variant Classification Sherloc (09022015). Collection method: clinical testing. Allele origin: germline.
Comment: In summary, the available evidence is currently insufficient to determine the role of this variant in disease. Therefore, it has been classified as a Variant of Uncertain Significance. Advanced modeling of protein sequence and biophysical properties (such as structural, functional, and spatial information, amino acid conservation, physicochemical variation, residue mobility, and thermodynamic stability) performed at Invitae indicates that this missense variant is not expected to disrupt SLC25A1 protein function. ClinVar contains an entry for this variant (Variation ID: 1397595). This variant has not been reported in the literature in individuals affected with SLC25A1-related conditions. This variant is present in population databases (rs782165332, gnomAD 0.05%). This sequence change replaces methionine, which is neutral and non-polar, with threonine, which is neutral and polar, at codon 218 of the SLC25A1 protein (p.Met218Thr).